The following is an entry in ClinVar:

ClinVar aggregate classification (germline): Uncertain significance (1 of 4 stars; one submission).

Allele frequency attached by ClinVar (database versions not stated): gnomAD exomes below 0.00001.
gnomAD v4.1: 2 of 1,612,124 alleles (0.00012%); highest among the groups gnomAD compares: Non-Finnish European, 0.00017%; no homozygotes.

Submission:

Labcorp Genetics (formerly Invitae), Labcorp
Classification: Uncertain significance. Last evaluated: 2022-06-01. Review status: criteria provided, single submitter. Criteria: Invitae Variant Classification Sherloc (09022015). Collection method: clinical testing. Allele origin: germline.
Comment: This variant is not present in population databases (gnomAD no frequency). This sequence change replaces isoleucine, which is neutral and non-polar, with leucine, which is neutral and non-polar, at codon 319 of the NIN protein (p.Ile319Leu). This variant has not been reported in the literature in individuals affected with NIN-related conditions. In summary, the available evidence is currently insufficient to determine the role of this variant in disease. Therefore, it has been classified as a Variant of Uncertain Significance. Algorithms developed to predict the effect of missense changes on protein structure and function are either unavailable or do not agree on the potential impact of this missense change (SIFT: "Deleterious"; PolyPhen-2: "Benign"; Align-GVGD: "Class C0").

NM_020921.4(NIN):c.955A>C (p.Ile319Leu)

Gene: NIN (ninein; minus strand). Cytogenetic location: 14q22.1.
Variant type: single nucleotide variant.
Coding change: c.955A>C on transcript NM_020921.4 (MANE Select); coding-DNA position 955, A replaced by C.
Protein change: p.Ile319Leu; replaces isoleucine 319 with leucine.
Molecular consequence: missense variant.
Genome position (GRCh38, 1-based): chr14:50,772,327, T>G on the plus strand (A>C on the coding strand, the complement: NIN is on the minus strand). VCF-style: chr14-50772327-T-G. GRCh37 (hg19) VCF-style: chr14-51239045-T-G.
Other names: c.955A>C, p.Ile319Leu (NM_016350.5, NM_182944.3, NM_182946.2); short protein forms I319L.
Identifiers: ClinVar variation 1922322 (VCV001922322.5), dbSNP rs2506101733, ClinGen allele CA389668472.